The following is an entry in ClinVar:

ClinVar aggregate classification (germline): Conflicting classifications of pathogenicity. Review status: criteria provided, conflicting classifications (1 of 4 stars). 9 submissions from 9 submitters: Pathogenic (2); Likely pathogenic (5); Uncertain significance (2). Last evaluated 2026-09-11.

Conditions:
Inherited phaeochromocytoma and paraganglioma excluding NF1.
Neurodegeneration with ataxia and late-onset optic atrophy. Identifiers: MedGen C5543254, MONDO:0031006, OMIM 619259.
SDHA-related disorder. Also called: SDHA-related condition; SDHA-related disorders.
Mitochondrial complex II deficiency, nuclear type 1. Also called: SUCCINATE CoQ REDUCTASE DEFICIENCY. Identifiers: Orphanet 3208, MedGen C5700310, MONDO:0100294, OMIM 252011.
Pheochromocytoma/paraganglioma syndrome 5. Also called: Paragangliomas 5; SDHA-Related Hereditary Paraganglioma-Pheochromocytoma Syndrome. Identifiers: Orphanet 29072, MedGen C3279992, MONDO:0013602, OMIM 614165.
Hereditary cancer-predisposing syndrome. Also called: Tumor predisposition; Hereditary neoplastic syndrome; Neoplastic Syndromes, Hereditary; Hereditary Cancer Syndrome. Identifiers: Orphanet 140162, MedGen C0027672, MeSH D009386, MONDO:0015356.

Allele frequency attached by ClinVar (database versions not stated): gnomAD exomes 0.00001; ExAC 0.00002; gnomAD 0.00004; TOPMed 0.00009; ESP Exome Variant Server 0.00015.

Submissions (9):

PreventionGenetics, part of Exact Sciences
Classification: Likely pathogenic for SDHA-related condition. Last evaluated: 2026-09-11. Review status: criteria provided, single submitter. Criteria: ACMG Guidelines, 2015. Collection method: clinical testing. Allele origin: germline.
Comment: The SDHA c.563G>A variant is predicted to result in the amino acid substitution p.Arg188Gln. This variant has been reported in the literature in several individuals with paraganglioma and colon cancer (Table S2, Greenberg et al. 2020. PubMed ID: 32741965; Rana et al. 2024. PubMed ID: 38473309). In addition, this variant has been observed in multiple individuals with paraganglioma or gastrointestinal stromal tumor by an outside laboratory (External communication). This variant is reported in 0.012% of alleles in individuals of African descent in gnomAD and the vast majority of submitters to the ClinVar database classify this variant as pathogenic/likely pathogenic (Variation ID: 450839). An alternate missense change impacting the same amino acid (p.Arg188Trp) has been reported as a germline variant in an individual with gastrointestinal stromal tumor (Miettinen et al. 2013. PubMed ID: 23282968) and an in vitro study demonstrates its expression results in decreased enzyme activity (Kent et al. 2024. PubMed ID: 39321216). Taken together, we interpret the c.563G>A (p.Arg188Gln) as likely pathogenic.

NHS Central & South Genomic Laboratory Hub
Classification: Uncertain significance for Inherited phaeochromocytoma and paraganglioma excluding NF1. Last evaluated: 2026-04-22. Review status: criteria provided, single submitter. Criteria: ACMG Guidelines, 2015. Collection method: clinical testing. Allele origin: germline. Affected: yes.

Labcorp Genetics (formerly Invitae), Labcorp
Classification: Pathogenic for Pheochromocytoma/paraganglioma syndrome 5; Mitochondrial complex II deficiency, nuclear type 1. Last evaluated: 2026-01-07. Review status: criteria provided, single submitter. Criteria: Invitae Variant Classification Sherloc (09022015). Collection method: clinical testing. Allele origin: germline.
Comment: This sequence change replaces arginine, which is basic and polar, with glutamine, which is neutral and polar, at codon 188 of the SDHA protein (p.Arg188Gln). This variant is present in population databases (rs139881415, gnomAD 0.01%). This missense change has been observed in individuals with gastrointestinal stromal tumor syndrome and/or paragangliomas (PMID: 32741965; external communication, internal data). ClinVar contains an entry for this variant (Variation ID: 450839). Invitae Evidence Modeling of protein sequence and biophysical properties (such as structural, functional, and spatial information, amino acid conservation, physicochemical variation, residue mobility, and thermodynamic stability) has been performed for this missense variant. However, the output from this modeling did not meet the statistical confidence thresholds required to predict the impact of this variant on SDHA protein function. This variant disrupts the p.Arg188 amino acid residue in SDHA. Other variant(s) that disrupt this residue have been observed in individuals with SDHA-related conditions (PMID: 23282968; internal data), which suggests that this may be a clinically significant amino acid residue. For these reasons, this variant has been classified as Pathogenic.

GeneDx
Classification: Likely pathogenic. Last evaluated: 2025-09-09. Review status: criteria provided, single submitter. Criteria: GeneDx Variant Classification Process June 2021. Collection method: clinical testing. Allele origin: germline. Affected: yes.
Comment: Not observed at significant frequency in large population cohorts (gnomAD); In silico analysis supports that this missense variant has a deleterious effect on protein structure/function; This variant is associated with the following publications: (PMID: 15989954, 28724664, 23282968, 39133175, 38473309, 34415331, 32741965)

Ambry Genetics
Classification: Likely pathogenic for Hereditary cancer-predisposing syndrome. Last evaluated: 2025-06-24. Review status: criteria provided, single submitter. Criteria: Ambry Variant Classification Scheme 2023. Collection method: clinical testing. Allele origin: germline.
Comment: The p.R188Q variant (also known as c.563G>A), located in coding exon 5 of the SDHA gene, results from a G to A substitution at nucleotide position 563. The arginine at codon 188 is replaced by glutamine, an amino acid with highly similar properties. This alteration has been observed in multiple individuals diagnosed with a paraganglioma or gastrointestinal stromal tumor (Greenberg SE et al. Genet Med, 2020 12;22:2101-2107; Rana HQ et al. Cancers (Basel), 2024 Feb;16:; Ambry internal data). This amino acid position is highly conserved in available vertebrate species. In addition, this alteration is predicted to be deleterious by in silico analysis. Based on the majority of available evidence to date, this variant is likely to be pathogenic.

Women's Health and Genetics/Laboratory Corporation of America, LabCorp
Classification: Pathogenic for Neurodegeneration with ataxia and late-onset optic atrophy. Last evaluated: 2024-12-26. Review status: criteria provided, single submitter. Criteria: LabCorp Variant Classification Summary - May 2015. Collection method: clinical testing. Allele origin: germline.
Comment: Variant summary: SDHA c.563G>A (p.Arg188Gln) results in a conservative amino acid change located in the FAD-dependent oxidoreductase 2, FAD binding domain (IPR003953) of the encoded protein sequence. Four of five in-silico tools predict a damaging effect of the variant on protein function. Another variant located at the same codon (c.562C>T, p.Arg188Trp) has been observed with evidence supporting pathogenicity for SDHA-related conditions, supporting the critical relevance of this residue to SDHA protein function. The variant allele was found at a frequency of 1.2e-05 in 251474 control chromosomes. c.563G>A has been reported in the literature and at our laboratory in individuals affected with gastrointestinal stromal tumor syndrome and/or paragangliomas (Greenberg_2020; external communication, internal data). These data indicate that the variant is likely to be associated with disease. To our knowledge, no experimental evidence demonstrating an impact on protein function has been reported. The following publications have been ascertained in the context of this evaluation (PMID: 28724664, 32741965, 34415331, 39133175). ClinVar contains an entry for this variant (Variation ID: 450839). Based on the evidence outlined above, the variant was classified as pathogenic.

Quest Diagnostics Nichols Institute San Juan Capistrano
Classification: Uncertain significance. Last evaluated: 2024-05-11. Review status: criteria provided, single submitter. Criteria: Quest Diagnostics criteria. Collection method: clinical testing. Allele origin: unknown.
Comment: The SDHA c.563G>A (p.Arg188Gln) variant has been reported in the published literature in in an individual with retroperitoneal paraganglioma (PMID: 32741965 (2020)). The frequency of this variant in the general population, 0.00012 (3/24966 chromosomes (Genome Aggregation Database)), is uninformative in the assessment of its pathogenicity. Analysis of this variant using bioinformatics tools for the prediction of the effect of amino acid changes on protein structure and function yielded predictions that this variant is damaging. Based on the available information, we are unable to determine the clinical significance of this variant.

St. Jude Molecular Pathology, St. Jude Children's Research Hospital
Classification: Likely pathogenic for Pheochromocytoma/paraganglioma syndrome 5. Last evaluated: 2023-12-25. Review status: criteria provided, single submitter. Criteria: St. Jude Assertion Criteria 2020. Collection method: clinical testing. Allele origin: germline.
Comment: The SDHA c.563G>A (p.Arg188Gln) missense change has a maximum subpopulation frequency of 0.01% in gnomAD v2.1.1. The in silico tool REVEL predicts a deleterious effect on protein function, but to our knowledge this prediction has not been confirmed by functional studies. This variant has been reported in several individuals with SDHA-related tumors (PMID: 32741965, external communication). In summary, this variant meets criteria to be classified as likely pathogenic.

Myriad Genetics, Inc.
Classification: Likely pathogenic for Pheochromocytoma/paraganglioma syndrome 5. Last evaluated: 2023-09-28. Review status: criteria provided, single submitter. Criteria: Myriad Autosomal Dominant, Autosomal Recessive and X-Linked Classification Criteria (2023). Collection method: clinical testing. Allele origin: unknown.
Comment: This variant is considered likely pathogenic. This variant has been reported in multiple individuals with clinical features of gene-specific disease [PMID: 32741965, Myriad internal data]. This variant is expected to disrupt protein structure [Myriad internal data].

Literature cited by the submitters: PubMed 32741965 (cited by 5 submitters); PubMed 23282968 (cited by Labcorp Genetics (formerly Invitae), Labcorp); PubMed 15989954 (cited by Ambry Genetics); PubMed 38473309 (cited by Ambry Genetics); PubMed 28724664 (cited by Women's Health and Genetics/Laboratory Corporation of America, LabCorp); PubMed 34415331 (cited by Women's Health and Genetics/Laboratory Corporation of America, LabCorp); PubMed 39133175 (cited by Women's Health and Genetics/Laboratory Corporation of America, LabCorp).

NM_004168.4(SDHA):c.563G>A (p.Arg188Gln)

Gene: SDHA (succinate dehydrogenase complex flavoprotein subunit A; plus strand). Cytogenetic location: 5p15.33.
Variant type: single nucleotide variant.
Coding change: c.563G>A on transcript NM_004168.4 (MANE Select); coding-DNA position 563, G replaced by A.
Protein change: p.Arg188Gln; replaces arginine 188 with glutamine.
Molecular consequence: missense variant.
Genome position (GRCh38, 1-based): chr5:225,989, G>A. VCF-style: chr5-225989-G-A. GRCh37 (hg19) VCF-style: chr5-226104-G-A.
Other names: c.419G>A, p.Arg140Gln (NM_001294332.2); c.563G>A, p.Arg188Gln (NM_001330758.2); short protein forms R188Q, R140Q.
Identifiers: ClinVar variation 450839 (VCV000450839.28), dbSNP rs139881415, ClinGen allele CA3172880.